The following is an entry in ClinVar:

ClinVar aggregate classification (germline): Likely pathogenic (1 of 4 stars; one submission).

Submission:

Labcorp Genetics (formerly Invitae), Labcorp
Classification: Likely pathogenic. Last evaluated: 2023-01-12. Review status: criteria provided, single submitter. Criteria: Invitae Variant Classification Sherloc (09022015). Collection method: clinical testing. Allele origin: germline.
Comment: In summary, the currently available evidence indicates that the variant is pathogenic, but additional data are needed to prove that conclusively. Therefore, this variant has been classified as Likely Pathogenic. Algorithms developed to predict the effect of sequence changes on RNA splicing suggest that this variant may disrupt the consensus splice site. This variant has not been reported in the literature in individuals affected with MRPS22-related conditions. This variant is not present in population databases (gnomAD no frequency). This sequence change affects an acceptor splice site in intron 4 of the MRPS22 gene. It is expected to disrupt RNA splicing. Variants that disrupt the donor or acceptor splice site typically lead to a loss of protein function (PMID: 16199547), and loss-of-function variants in MRPS22 are known to be pathogenic (PMID: 28425981, 29096039).

Literature cited by the submitters: PubMed 16199547; PubMed 28425981; PubMed 29096039.

NM_020191.4(MRPS22):c.649-2A>G

Gene: MRPS22 (mitochondrial ribosomal protein S22; plus strand). Cytogenetic location: 3q23.
Variant type: single nucleotide variant.
Coding change: c.649-2A>G on transcript NM_020191.4 (MANE Select); the canonical splice acceptor site of the intron before coding-DNA position 649, A replaced by G.
Molecular consequence: splice acceptor variant.
Genome position (GRCh38, 1-based): chr3:139,350,975, A>G. VCF-style: chr3-139350975-A-G. GRCh37 (hg19) VCF-style: chr3-139069817-A-G.
Other names: c.646-2A>G (NM_001363893.1); c.526-2A>G (NM_001363857.1).
Identifiers: ClinVar variation 2827805 (VCV002827805.3), dbSNP rs2472859554, ClinGen allele CA354762044.